The following is an entry in ClinVar:

NM_000455.5(STK11):c.840C>T (p.Pro280=)

Gene: STK11 (serine/threonine kinase 11; plus strand). Cytogenetic location: 19p13.3.
Variant type: single nucleotide variant.
Coding change: c.840C>T on transcript NM_000455.5 (MANE Select); coding-DNA position 840, C replaced by T.
Protein change: p.Pro280=; no amino-acid change (proline 280 retained).
Molecular consequence: synonymous variant.
Genome position (GRCh38, 1-based): chr19:1,221,318, C>T. VCF-style: chr19-1221318-C-T. GRCh37 (hg19) VCF-style: chr19-1221317-C-T.
Identifiers: ClinVar variation 527858 (VCV000527858.22), dbSNP rs1471868090, ClinGen allele CA504707297.

ClinVar aggregate classification (germline): Conflicting classifications of pathogenicity. Review status: criteria provided, conflicting classifications (1 of 4 stars). 7 submissions from 7 submitters: Uncertain significance (2); Benign (1); Likely benign (4). Last evaluated 2025-03-27.

Conditions:
Hereditary cancer-predisposing syndrome. Also called: Neoplastic Syndromes, Hereditary; Tumor predisposition; Hereditary neoplastic syndrome; Hereditary Cancer Syndrome. Identifiers: Orphanet 140162, MedGen C0027672, MeSH D009386, MONDO:0015356.
Peutz-Jeghers syndrome (PJS). Also called: POLYPOSIS, HAMARTOMATOUS INTESTINAL; POLYPS-AND-SPOTS SYNDROME; Peutz-Jeghers polyposis; Periorificial lentiginosis syndrome. Identifiers: Orphanet 2869, MedGen C0031269, MeSH D010580, MONDO:0008280, OMIM 175200.

gnomAD v4.1: 1 of 1,609,882 alleles (0.000062%); highest among the groups gnomAD compares: Non-Finnish European, 0.000085%; no homozygotes.

Submissions (7):

Myriad Genetics, Inc.
Classification: Benign for Peutz-Jeghers syndrome. Last evaluated: 2025-03-27. Review status: criteria provided, single submitter. Criteria: Myriad Autosomal Dominant, Autosomal Recessive and X-Linked Classification Criteria (2023). Collection method: clinical testing. Allele origin: unknown.
Comment: This variant is considered benign. This variant is a silent/synonymous amino acid change and it is not expected to impact splicing.

Labcorp Genetics (formerly Invitae), Labcorp
Classification: Likely benign for Peutz-Jeghers syndrome. Last evaluated: 2024-08-04. Review status: criteria provided, single submitter. Criteria: Invitae Variant Classification Sherloc (09022015). Collection method: clinical testing. Allele origin: germline.

All of Us Research Program, National Institutes of Health
Classification: Likely benign for Peutz-Jeghers syndrome. Last evaluated: 2023-07-10. Review status: criteria provided, single submitter. Criteria: ACMG Guidelines, 2015. Collection method: clinical testing. Allele origin: germline. Inheritance: Autosomal dominant inheritance. Observed: 2 variant alleles, 2 heterozygotes.
Comment: This study involves interpretation of variants in research participants for the purpose of population health screening. Participant phenotype was not available at the time of variant classification. Additional details can be found in publication PMID: 35346344, PMCID: PMC8962531

Genome-Nilou Lab
Classification: Uncertain significance for Peutz-Jeghers syndrome. Last evaluated: 2021-07-15. Review status: criteria provided, single submitter. Criteria: ACMG Guidelines, 2015. Collection method: clinical testing. Allele origin: germline. Affected: no.

Ambry Genetics
Classification: Likely benign for Hereditary cancer-predisposing syndrome. Last evaluated: 2018-12-21. Review status: criteria provided, single submitter. Criteria: Ambry Variant Classification Scheme 2023. Collection method: clinical testing. Allele origin: germline.

GeneDx
Classification: Likely benign. Last evaluated: 2018-12-17. Review status: criteria provided, single submitter. Criteria: GeneDx Variant Classification Process June 2021. Collection method: clinical testing. Allele origin: germline. Affected: yes.

Quest Diagnostics Nichols Institute San Juan Capistrano
Classification: Uncertain significance. Last evaluated: 2017-08-30. Review status: criteria provided, single submitter. Criteria: Quest Diagnostics criteria. Collection method: clinical testing. Allele origin: germline.